The following is an entry in ClinVar:

ClinVar aggregate classification (germline): Likely pathogenic (1 of 4 stars; one submission).

Conditions:
Shashi-Pena syndrome (SHAPNS). Identifiers: Orphanet 689408, MedGen C4310672, MONDO:0014963, OMIM 617190.

Submission:

3billion
Classification: Likely pathogenic for Shashi-Pena syndrome. Last evaluated: 2023-06-02. Review status: criteria provided, single submitter. Criteria: ACMG Guidelines, 2015. Collection method: clinical testing. Allele origin: germline. Affected: yes.
Comment: The variant is not observed in the gnomAD v2.1.1 dataset. Predicted Consequence/Location: Frameshift: predicted to result in a loss or disruption of normal protein function through protein truncation. The predicted truncated protein may be shortened by more than 10%. Therefore, this variant is classified as Likely pathogenic according to the recommendation of ACMG/AMP guideline.

NM_018263.6(ASXL2):c.2729dup (p.Ala911fs)

Gene: ASXL2 (ASXL transcriptional regulator 2; minus strand). Cytogenetic location: 2p23.3.
Variant type: Duplication.
Coding change: c.2729dup on transcript NM_018263.6 (MANE Select); coding-DNA position 2729, one base duplicated (C; older notation c.2729dupC).
Protein change: p.Ala911fs; shifts the reading frame from alanine 911.
Molecular consequence: frameshift variant.
Genome position (GRCh38, 1-based): chr2:25,743,608, G duplicated on the plus strand (C on the coding strand, the reverse complement: ASXL2 is on the minus strand); the first of 2 consecutive G bases (chr2:25,743,608-25,743,609); duplicating either gives the same sequence. VCF-style (leftmost placement, unchanged base first): chr2-25743607-A-AG. GRCh37 (hg19) VCF-style: chr2-25966476-A-AG.
Other names: c.2555dup, p.Ala853fs (NM_001369346.1); c.1949dup, p.Ala651fs (NM_001369347.1); short protein forms A651fs, A853fs, A911fs.
Identifiers: ClinVar variation 3776086 (VCV003776086.1).